The following is an entry in ClinVar:

ClinVar aggregate classification (germline): Uncertain significance (1 of 4 stars; one submission).

Conditions:
Dilated cardiomyopathy 1JJ (CMD1JJ). Identifiers: Orphanet 154, MedGen C3808935, MONDO:0014095, OMIM 615235.

Submission:

Labcorp Genetics (formerly Invitae), Labcorp
Classification: Uncertain significance for Dilated cardiomyopathy 1JJ. Last evaluated: 2025-07-02. Review status: criteria provided, single submitter. Criteria: Invitae Variant Classification Sherloc (09022015). Collection method: clinical testing. Allele origin: germline.
Comment: This sequence change replaces glutamic acid, which is acidic and polar, with aspartic acid, which is acidic and polar, at codon 1554 of the LAMA4 protein (p.Glu1554Asp). This variant is not present in population databases (gnomAD no frequency). This variant has not been reported in the literature in individuals affected with LAMA4-related conditions. An algorithm developed to predict the effect of missense changes on protein structure and function (PolyPhen-2) suggests that this variant is likely to be tolerated. In summary, the available evidence is currently insufficient to determine the role of this variant in disease. Therefore, it has been classified as a Variant of Uncertain Significance.

NM_001105206.3(LAMA4):c.4683A>T (p.Glu1561Asp)

Gene: LAMA4 (laminin subunit alpha 4; minus strand). Cytogenetic location: 6q21.
Variant type: single nucleotide variant.
Coding change: c.4683A>T on transcript NM_001105206.3 (MANE Select); coding-DNA position 4683, A replaced by T.
Protein change: p.Glu1561Asp; replaces glutamic acid 1561 with aspartic acid.
Molecular consequence: missense variant.
Genome position (GRCh38, 1-based): chr6:112,119,294, T>A on the plus strand (A>T on the coding strand, the complement: LAMA4 is on the minus strand). VCF-style: chr6-112119294-T-A. GRCh37 (hg19) VCF-style: chr6-112440497-T-A.
Other names: c.4662A>T, p.Glu1554Asp (NM_001105207.3, NM_002290.5); short protein forms E1561D, E1554D.
Identifiers: ClinVar variation 4722509 (VCV004722509.1).
Genomic context (GRCh38, chr6:112,119,294, plus strand): 5'-AGGAGGAAGACTTTCTTCTAGGACTCGGAGACCATCAATTACCAGTCGGCCACTGCTCCT[T>A]TCTCGAATAAATATCACCTGGATGAAGAGAAGGACAATAGCACATCTCAGGTACATTCCA-3'
Protein context (NP_001098676.2, residues 1551-1571): GLWHDVIFIR[Glu1561Asp]RSSGRLVIDG